The following is an entry in ClinVar:

NM_002427.4(MMP13):c.515A>G (p.His172Arg)

Gene: MMP13 (matrix metallopeptidase 13; minus strand). Cytogenetic location: 11q22.2.
Variant type: single nucleotide variant.
Coding change: c.515A>G on transcript NM_002427.4 (MANE Select); coding-DNA position 515, A replaced by G.
Protein change: p.His172Arg; replaces histidine 172 with arginine.
Molecular consequence: missense variant.
Genome position (GRCh38, 1-based): chr11:102,954,278, T>C on the plus strand (A>G on the coding strand, the complement: MMP13 is on the minus strand). VCF-style: chr11-102954278-T-C. GRCh37 (hg19) VCF-style: chr11-102825007-T-C.
Other names: short protein forms H172R.
Identifiers: ClinVar variation 1348198 (VCV001348198.8), dbSNP rs928951639, ClinGen allele CA227376075.

ClinVar aggregate classification (germline): Uncertain significance (1 of 4 stars; one submission).

Allele frequency attached by ClinVar (database versions not stated): gnomAD exomes below 0.00001 and 0.00001.
gnomAD v4.1: 3 of 1,613,500 alleles (0.00019%); highest among the groups gnomAD compares: Non-Finnish European, 0.00025%; no homozygotes.

Submission:

Labcorp Genetics (formerly Invitae), Labcorp
Classification: Uncertain significance. Last evaluated: 2025-10-27. Review status: criteria provided, single submitter. Criteria: Invitae Variant Classification Sherloc (09022015). Collection method: clinical testing. Allele origin: germline.
Comment: This sequence change replaces histidine, which is basic and polar, with arginine, which is basic and polar, at codon 172 of the MMP13 protein (p.His172Arg). This variant is not present in population databases (gnomAD no frequency). This variant has not been reported in the literature in individuals affected with MMP13-related conditions. ClinVar contains an entry for this variant (Variation ID: 1348198). Invitae Evidence Modeling of protein sequence and biophysical properties (such as structural, functional, and spatial information, amino acid conservation, physicochemical variation, residue mobility, and thermodynamic stability) indicates that this missense variant is expected to disrupt MMP13 protein function with a positive predictive value of 80%. In summary, the available evidence is currently insufficient to determine the role of this variant in disease. Therefore, it has been classified as a Variant of Uncertain Significance.